The following is an entry in ClinVar:

ClinVar aggregate classification (germline): Benign/Likely benign. Review status: criteria provided, multiple submitters, no conflicts (2 of 4 stars). 3 submissions from 3 submitters: Benign (1); Likely benign (2). Last evaluated 2024-06-28.

Conditions:
Hereditary cancer-predisposing syndrome. Also called: Tumor predisposition; Hereditary neoplastic syndrome; Neoplastic Syndromes, Hereditary; Hereditary Cancer Syndrome. Identifiers: Orphanet 140162, MedGen C0027672, MeSH D009386, MONDO:0015356.
Oligodontia-cancer predisposition syndrome. Also called: TOOTH AGENESIS-COLORECTAL CANCER SYNDROME. Identifiers: Orphanet 300576, MedGen C1837750, MONDO:0012075, OMIM 608615. Disease mechanism: loss of function.

Allele frequency attached by ClinVar (database versions not stated): ExAC 0.00001; gnomAD exomes 0.00001 and 0.00002; gnomAD 0.00003; TOPMed 0.00006.
gnomAD v4.1: 8 of 1,612,470 alleles (0.0005%); highest among the groups gnomAD compares: Admixed American, 0.013%; no homozygotes.

Submissions (3):

Myriad Genetics, Inc.
Classification: Benign for Oligodontia-cancer predisposition syndrome. Last evaluated: 2024-06-28. Review status: criteria provided, single submitter. Criteria: Myriad Autosomal Dominant, Autosomal Recessive and X-Linked Classification Criteria (2023). Collection method: clinical testing. Allele origin: unknown.
Comment: This variant is considered benign. This variant is a silent/synonymous amino acid change and it is not expected to impact splicing.

Labcorp Genetics (formerly Invitae), Labcorp
Classification: Likely benign for Oligodontia-cancer predisposition syndrome. Last evaluated: 2023-06-26. Review status: criteria provided, single submitter. Criteria: Invitae Variant Classification Sherloc (09022015). Collection method: clinical testing. Allele origin: germline.

Ambry Genetics
Classification: Likely benign for Hereditary cancer-predisposing syndrome. Last evaluated: 2021-04-01. Review status: criteria provided, single submitter. Criteria: Ambry Variant Classification Scheme 2023. Collection method: clinical testing. Allele origin: germline.

NM_004655.4(AXIN2):c.948C>T (p.Asp316=)

Gene: AXIN2 (axin 2; minus strand). Cytogenetic location: 17q24.1.
Variant type: single nucleotide variant.
Coding change: c.948C>T on transcript NM_004655.4 (MANE Select); coding-DNA position 948, C replaced by T.
Protein change: p.Asp316=; no amino-acid change (aspartic acid 316 retained).
Molecular consequence: synonymous variant.
Genome position (GRCh38, 1-based): chr17:65,549,528, G>A on the plus strand (C>T on the coding strand, the complement: AXIN2 is on the minus strand). VCF-style: chr17-65549528-G-A. GRCh37 (hg19) VCF-style: chr17-63545646-G-A.
Other names: c.948C>T, p.Asp316= (NM_001363813.1).
Identifiers: ClinVar variation 1661704 (VCV001661704.11), dbSNP rs754428008, ClinGen allele CA8718935.